The following is an entry in ClinVar:

ClinVar aggregate classification (germline): Uncertain significance. Review status: criteria provided, multiple submitters, no conflicts (2 of 4 stars). 2 submissions from 2 submitters: Uncertain significance (2). Last evaluated 2026-05-06.

Conditions:
VIPAS39-related disorder. Also called: VIPAS39-related condition.

Allele frequency attached by ClinVar (database versions not stated): gnomAD 0.00004; ExAC 0.00001; gnomAD exomes 0.00002; TOPMed 0.00002.
gnomAD v4.1: 22 of 1,613,840 alleles (0.0014%); highest among the groups gnomAD compares: Admixed American, 0.0083%; no homozygotes.

Submissions (2):

PreventionGenetics, part of Exact Sciences
Classification: Uncertain significance for VIPAS39-related condition. Last evaluated: 2026-05-06. Review status: criteria provided, single submitter. Criteria: ACMG Guidelines, 2015. Collection method: clinical testing. Allele origin: germline.
Comment: The VIPAS39 c.1286A>G variant is predicted to result in the amino acid substitution p.Asn429Ser. To our knowledge, this variant has not been reported in the literature. This variant is reported in 0.011% of alleles in individuals of Latino descent in gnomAD. At this time, the clinical significance of this variant is uncertain due to the absence of conclusive functional and genetic evidence.

Eurofins Ntd Llc (ga)
Classification: Uncertain significance. Last evaluated: 2017-04-20. Review status: criteria provided, single submitter. Criteria: EGL Classification Definitions 2015. Collection method: clinical testing. Allele origin: germline. Observed: 1 variant allele, 1 heterozygote.

NM_001193315.2(VIPAS39):c.1286A>G (p.Asn429Ser)

Gene: VIPAS39 (VPS33B interacting protein, apical-basolateral polarity regulator, spe-39 homolog; minus strand). Cytogenetic location: 14q24.3.
Variant type: single nucleotide variant.
Coding change: c.1286A>G on transcript NM_001193315.2 (MANE Select); coding-DNA position 1286, A replaced by G.
Protein change: p.Asn429Ser; replaces asparagine 429 with serine.
Molecular consequence: missense variant.
Genome position (GRCh38, 1-based): chr14:77,429,076, T>C on the plus strand (A>G on the coding strand, the complement: VIPAS39 is on the minus strand). VCF-style: chr14-77429076-T-C. GRCh37 (hg19) VCF-style: chr14-77895419-T-C.
Other names: c.1286A>G (NM_022067.3); c.1286A>G, p.Asn429Ser (NM_001193314.2, NM_001193317.2, NM_022067.4); c.1139A>G, p.Asn380Ser (NM_001193316.2); short protein forms N429S, N380S.
Identifiers: ClinVar variation 501616 (VCV000501616.6), dbSNP rs763242224, ClinGen allele CA7287762.